The following is an entry in ClinVar:

ClinVar aggregate classification (germline): Likely benign (1 of 4 stars; one submission).

Allele frequency attached by ClinVar (database versions not stated): 1000 Genomes Project 30x 0.00031; 1000 Genomes Project 0.00060.
gnomAD v4.1: 358 of 1,613,238 alleles (0.022%); highest among the groups gnomAD compares: Middle Eastern, 0.13%; 3 homozygotes.

Submission:

CeGaT Center for Human Genetics Tuebingen
Classification: Likely benign. Last evaluated: 2023-08-01. Review status: criteria provided, single submitter. Criteria: CeGaT Center For Human Genetics Tuebingen Variant Classification Criteria Version 2. Collection method: clinical testing. Allele origin: germline. Affected: yes. Observed: 1 variant allele.
Comment: CKMT1A: BP4, BP7

NM_001321926.2(CKMT1A):c.1056G>A (p.Lys352=)

Gene: CKMT1A (creatine kinase, mitochondrial 1A; plus strand). Cytogenetic location: 15q15.3.
Variant type: single nucleotide variant.
Coding change: c.1056G>A on transcript NM_001321926.2 (MANE Select); coding-DNA position 1056, G replaced by A.
Protein change: p.Lys352=; no amino-acid change (lysine 352 retained).
Molecular consequence: synonymous variant. On other transcripts: non-coding transcript variant (1).
Genome position (GRCh38, 1-based): chr15:43,698,685, G>A. VCF-style: chr15-43698685-G-A. GRCh37 (hg19) VCF-style: chr15-43990883-G-A.
Other names: c.1056G>A, p.Lys352= (NM_001015001.2); c.1149G>A, p.Lys383= (NM_001321927.1, NM_001321928.1); c.579G>A, p.Lys193= (NM_001321929.1).
Identifiers: ClinVar variation 2645279 (VCV002645279.24), dbSNP rs546043133, ClinGen allele CA7529342.